The following is an entry in ClinVar:

ClinVar aggregate classification (germline): Likely pathogenic (1 of 4 stars; one submission).

Conditions:
Long QT syndrome (LQTS). Identifiers: MedGen C0023976, MeSH D008133, MONDO:0002442. Disease mechanism: loss of function. Inheritance: Various modes of inheritance.

Submission:

Dept of Medical Biology, Uskudar University
Classification: Likely pathogenic for Long QT syndrome. Last evaluated: 2024-01-08. Review status: criteria provided, single submitter. Criteria: Dept of Medical Biology Variant Classification. Collection method: research. Allele origin: paternal. Affected: yes. Observed: 1 variant allele.
Comment: Criteria: PVS1_Strong, PM2

NM_000069.3(CACNA1S):c.5244del (p.Ser1749fs)

Gene: CACNA1S (calcium voltage-gated channel subunit alpha1 S; minus strand). Cytogenetic location: 1q32.1.
Variant type: Deletion.
Coding change: c.5244del on transcript NM_000069.3 (MANE Select); coding-DNA position 5244, one base deleted (C; older notation c.5244delC).
Protein change: p.Ser1749fs; shifts the reading frame from serine 1749.
Molecular consequence: frameshift variant.
Genome position (GRCh38, 1-based): chr1:201,040,357, G deleted on the plus strand (C on the coding strand, the reverse complement: CACNA1S is on the minus strand); the first of 2 consecutive G bases (chr1:201,040,357-201,040,358); deleting either gives the same sequence. VCF-style (leftmost placement, unchanged base first): chr1-201040356-AG-A. GRCh37 (hg19) VCF-style: chr1-201009484-AG-A.
Other names: short protein forms S1749fs.
Identifiers: ClinVar variation 2574003 (VCV002574003.3), dbSNP rs2464391048, ClinGen allele CA2580612545.